The following is an entry in ClinVar:

ClinVar aggregate classification (germline): Uncertain significance. Review status: criteria provided, multiple submitters, no conflicts (2 of 4 stars). 2 submissions from 2 submitters: Uncertain significance (2). Last evaluated 2022-08-22.

Submissions (2):

Labcorp Genetics (formerly Invitae), Labcorp
Classification: Uncertain significance. Last evaluated: 2022-08-22. Review status: criteria provided, single submitter. Criteria: Invitae Variant Classification Sherloc (09022015). Collection method: clinical testing. Allele origin: germline.
Comment: In summary, the available evidence is currently insufficient to determine the role of this variant in disease. Therefore, it has been classified as a Variant of Uncertain Significance. Algorithms developed to predict the effect of missense changes on protein structure and function are either unavailable or do not agree on the potential impact of this missense change (SIFT: "Deleterious"; PolyPhen-2: "Probably Damaging"; Align-GVGD: "Class C0"). This variant has not been reported in the literature in individuals affected with C1QC-related conditions. This variant is not present in population databases (gnomAD no frequency). This sequence change replaces histidine, which is basic and polar, with glutamine, which is neutral and polar, at codon 171 of the C1QC protein (p.His171Gln).

Blueprint Genetics
Classification: Uncertain significance. Last evaluated: 2022-07-13. Review status: criteria provided, single submitter. Criteria: ACMG Guidelines, 2015. Collection method: clinical testing. Allele origin: germline.

NM_172369.5(C1QC):c.513C>G (p.His171Gln)

Gene: C1QC (complement C1q C chain; plus strand). Cytogenetic location: 1p36.12.
Variant type: single nucleotide variant.
Coding change: c.513C>G on transcript NM_172369.5 (MANE Select); coding-DNA position 513, C replaced by G.
Protein change: p.His171Gln; replaces histidine 171 with glutamine.
Molecular consequence: missense variant.
Genome position (GRCh38, 1-based): chr1:22,647,558, C>G. VCF-style: chr1-22647558-C-G. GRCh37 (hg19) VCF-style: chr1-22974051-C-G.
Other names: c.513C>G, p.His171Gln (NM_001114101.3, NM_001347619.2); c.246C>G, p.His82Gln (NM_001347620.2); short protein forms H171Q, H82Q.
Identifiers: ClinVar variation 2022029 (VCV002022029.3), dbSNP rs746122612, ClinGen allele CA338937764.